The following is an entry in ClinVar:

ClinVar aggregate classification (germline): Likely benign (1 of 4 stars; one submission).

Conditions:
PKD1L1-related disorder. Also called: PKD1L1-related condition.

gnomAD v4.1: 2 of 1,614,176 alleles (0.00012%); highest among the groups gnomAD compares: Admixed American, 0.0033%; no homozygotes.

Submission:

PreventionGenetics, part of Exact Sciences
Classification: Likely benign for PKD1L1-related condition. Last evaluated: 2026-05-07. Review status: criteria provided, single submitter. Criteria: ACMG Guidelines, 2015. Collection method: clinical testing. Allele origin: germline.
Comment: This variant is classified as likely benign based on ACMG/AMP sequence variant interpretation guidelines (Richards et al. 2015 PMID: 25741868, with internal and published modifications).

NM_138295.5(PKD1L1):c.3066G>C (p.Ala1022=)

Gene: PKD1L1 (polycystin 1 like 1, transient receptor potential channel interacting; minus strand). Cytogenetic location: 7p12.3.
Variant type: single nucleotide variant.
Coding change: c.3066G>C on transcript NM_138295.5 (MANE Select); coding-DNA position 3066, G replaced by C.
Protein change: p.Ala1022=; no amino-acid change (alanine 1022 retained).
Molecular consequence: synonymous variant.
Genome position (GRCh38, 1-based): chr7:47,885,825, C>G on the plus strand (G>C on the coding strand, the complement: PKD1L1 is on the minus strand). VCF-style: chr7-47885825-C-G. GRCh37 (hg19) VCF-style: chr7-47925423-C-G.
Identifiers: ClinVar variation 4988553 (VCV004988553.1).